The following is an entry in ClinVar:

NM_005862.3(STAG1):c.3337C>T (p.Pro1113Ser)

Gene: STAG1 (STAG1 cohesin complex component; minus strand). Cytogenetic location: 3q22.3.
Variant type: single nucleotide variant.
Coding change: c.3337C>T on transcript NM_005862.3 (MANE Select); coding-DNA position 3337, C replaced by T.
Protein change: p.Pro1113Ser; replaces proline 1113 with serine.
Molecular consequence: missense variant.
Genome position (GRCh38, 1-based): chr3:136,343,941, G>A on the plus strand (C>T on the coding strand, the complement: STAG1 is on the minus strand). VCF-style: chr3-136343941-G-A. GRCh37 (hg19) VCF-style: chr3-136062783-G-A.
Other names: short protein forms P1113S.
Identifiers: ClinVar variation 4801763 (VCV004801763.1).

ClinVar aggregate classification (germline): Uncertain significance (1 of 4 stars; one submission).

gnomAD v4.1: 1 of 1,612,064 alleles (0.000062%); highest among the groups gnomAD compares: Non-Finnish European, 0.000085%; no homozygotes.

Submission:

Labcorp Genetics (formerly Invitae), Labcorp
Classification: Uncertain significance. Last evaluated: 2026-01-05. Review status: criteria provided, single submitter. Criteria: Invitae Variant Classification Sherloc (09022015). Collection method: clinical testing. Allele origin: germline.
Comment: This sequence change replaces proline, which is neutral and non-polar, with serine, which is neutral and polar, at codon 1113 of the STAG1 protein (p.Pro1113Ser). This variant is not present in population databases (gnomAD no frequency). This variant has not been reported in the literature in individuals affected with STAG1-related conditions. Invitae Evidence Modeling of protein sequence and biophysical properties (such as structural, functional, and spatial information, amino acid conservation, physicochemical variation, residue mobility, and thermodynamic stability) indicates that this missense variant is not expected to disrupt STAG1 protein function with a negative predictive value of 95%. In summary, the available evidence is currently insufficient to determine the role of this variant in disease. Therefore, it has been classified as a Variant of Uncertain Significance.